The following is an entry in ClinVar:

NM_020738.4(KIDINS220):c.3529-10G>T

Gene: KIDINS220 (kinase D interacting substrate 220; minus strand). Cytogenetic location: 2p25.1.
Variant type: single nucleotide variant.
Coding change: c.3529-10G>T on transcript NM_020738.4 (MANE Select); 10 bases into the intron before coding-DNA position 3529, G replaced by T.
Molecular consequence: intron variant.
Genome position (GRCh38, 1-based): chr2:8,747,211, C>A on the plus strand (G>T on the coding strand, the complement: KIDINS220 is on the minus strand). VCF-style: chr2-8747211-C-A. GRCh37 (hg19) VCF-style: chr2-8887341-C-A.
Other names: c.3414+2901G>T (NM_001348741.2, NM_001348742.2, NM_001348743.2 and 1 more transcripts); c.3528+676G>T (NM_001348738.2, NM_001348732.2); c.3417+2901G>T (NM_001348739.2, NM_001348740.2, NM_001348734.2); c.3531+676G>T (NM_001348731.2); c.3532-10G>T (NM_001348729.2); c.3288+2901G>T (NM_001348736.2).
Identifiers: ClinVar variation 3349263 (VCV003349263.1).
Genomic context (GRCh38, chr2:8,747,211, plus strand): 5'-GGAGTCTGTGGGTGAAGAAAGCCCCTCAGCAGCATCCTCCTTGATAACTTCCTAACAACA[C>A]AAAACAGGAGAGTGTGGGTGAAAAGGGGAAGGGGGGAGCCAAACTGTGAAGACAAATGAA-3'

ClinVar aggregate classification (germline): Likely benign (0 of 4 stars; one submission).

Conditions:
KIDINS220-related disorder. Also called: KIDINS220-related condition.

Submission:

PreventionGenetics, part of Exact Sciences
Classification: Likely benign for KIDINS220-related condition. Last evaluated: 2023-12-19. Review status: no assertion criteria provided. Collection method: clinical testing. Allele origin: germline.
Comment: This variant is classified as likely benign based on ACMG/AMP sequence variant interpretation guidelines (Richards et al. 2015 PMID: 25741868, with internal and published modifications).